The following is an entry in ClinVar:

NM_001364905.1(LRBA):c.851A>G (p.Lys284Arg)

Gene: LRBA (LPS responsive beige-like anchor protein; minus strand). Cytogenetic location: 4q31.3.
Variant type: single nucleotide variant.
Coding change: c.851A>G on transcript NM_001364905.1 (MANE Select); coding-DNA position 851, A replaced by G.
Protein change: p.Lys284Arg; replaces lysine 284 with arginine.
Molecular consequence: missense variant.
Genome position (GRCh38, 1-based): chr4:150,916,444, T>C on the plus strand (A>G on the coding strand, the complement: LRBA is on the minus strand). VCF-style: chr4-150916444-T-C. GRCh37 (hg19) VCF-style: chr4-151837596-T-C.
Other names: c.851A>G, p.Lys284Arg (NM_001199282.3, NM_001367550.1, NM_006726.5); short protein forms K284R.
Identifiers: ClinVar variation 1006287 (VCV001006287.6), dbSNP rs372046063, ClinGen allele CA107825952.
Genomic context (GRCh38, chr4:150,916,444, plus strand): 5'-TCAAGAAGATCATGTACCTTTTGTGGCTTGAAATCAAATTTCACACAGTGTTGAAAGCCT[T>C]TTCCTTTTGACTTTATTGATGTTACAATCAAACAGCCTCCAACAAAATGAGCAGAATAGC-3'
Protein context (NP_001351834.1, residues 274-294): LIVTSIKSKG[Lys284Arg]GFQHCVKFDF

ClinVar aggregate classification (germline): Uncertain significance (1 of 4 stars; one submission).

Conditions:
Combined immunodeficiency due to LRBA deficiency. Also called: Common variable immunodeficiency 8, with autoimmunity. Identifiers: Orphanet 445018, MedGen C3553512, MONDO:0013863, OMIM 614700.

Allele frequency attached by ClinVar (database versions not stated): gnomAD exomes below 0.00001; ESP Exome Variant Server 0.00008.
gnomAD v4.1: 2 of 1,613,804 alleles (0.00012%); highest among the groups gnomAD compares: Non-Finnish European, 0.00017%; no homozygotes.

Submission:

Labcorp Genetics (formerly Invitae), Labcorp
Classification: Uncertain significance for Combined immunodeficiency due to LRBA deficiency. Last evaluated: 2021-08-27. Review status: criteria provided, single submitter. Criteria: Invitae Variant Classification Sherloc (09022015). Collection method: clinical testing. Allele origin: germline.
Comment: This sequence change replaces lysine with arginine at codon 284 of the LRBA protein (p.Lys284Arg). The lysine residue is moderately conserved and there is a small physicochemical difference between lysine and arginine. This variant is not present in population databases (ExAC no frequency). This variant has not been reported in the literature in individuals affected with LRBA-related conditions. Algorithms developed to predict the effect of missense changes on protein structure and function are either unavailable or do not agree on the potential impact of this missense change (SIFT: "Deleterious"; PolyPhen-2: "Probably Damaging"; Align-GVGD: "Class C0"). In summary, the available evidence is currently insufficient to determine the role of this variant in disease. Therefore, it has been classified as a Variant of Uncertain Significance.